The following is an entry in ClinVar:

NM_020232.5(PSMG2):c.728C>T (p.Ser243Leu)

Gene: PSMG2 (proteasome assembly chaperone 2; plus strand). Cytogenetic location: 18p11.21.
Variant type: single nucleotide variant.
Coding change: c.728C>T on transcript NM_020232.5 (MANE Select); coding-DNA position 728, C replaced by T.
Protein change: p.Ser243Leu; replaces serine 243 with leucine.
Molecular consequence: missense variant.
Genome position (GRCh38, 1-based): chr18:12,725,464, C>T. VCF-style: chr18-12725464-C-T. GRCh37 (hg19) VCF-style: chr18-12725463-C-T.
Other names: c.635C>T, p.Ser212Leu (NM_147163.2); short protein forms S243L, S212L.
Identifiers: ClinVar variation 3676049 (VCV003676049.2).
Genomic context (GRCh38, chr18:12,725,464, plus strand): 5'-TTTAAAGATTAAAATATTTTGTTCTTCAATTACAGAGCGATGACCCCACAGTATCTGCCT[C>T]ACGGTGGAAAATACCAAGTTCTTGGAGATTACTCTTTGGCAGTGGTCTTCCCCCTGCACT-3'
Protein context (NP_064617.2, residues 233-253): PLSDDPTVSA[Ser243Leu]RWKIPSSWRL

ClinVar aggregate classification (germline): Uncertain significance (1 of 4 stars; one submission).

gnomAD v4.1: 1 of 1,602,410 alleles (0.000062%); highest among the groups gnomAD compares: South Asian, 0.0011%; no homozygotes.

Submission:

Labcorp Genetics (formerly Invitae), Labcorp
Classification: Uncertain significance. Last evaluated: 2026-01-05. Review status: criteria provided, single submitter. Criteria: Invitae Variant Classification Sherloc (09022015). Collection method: clinical testing. Allele origin: germline.
Comment: This sequence change replaces serine, which is neutral and polar, with leucine, which is neutral and non-polar, at codon 243 of the PSMG2 protein (p.Ser243Leu). This variant is not present in population databases (gnomAD no frequency). This variant has not been reported in the literature in individuals affected with PSMG2-related conditions. ClinVar contains an entry for this variant (Variation ID: 3676049). An algorithm developed to predict the effect of missense changes on protein structure and function outputs the following: PolyPhen-2: "Benign". The leucine amino acid residue is found in multiple mammalian species, which suggests that this missense change does not adversely affect protein function. In summary, the available evidence is currently insufficient to determine the role of this variant in disease. Therefore, it has been classified as a Variant of Uncertain Significance.